The following is an entry in ClinVar:

ClinVar aggregate classification (germline): Uncertain significance (1 of 4 stars; one submission).

Allele frequency attached by ClinVar (database versions not stated): gnomAD exomes below 0.00001; TOPMed 0.00001.

Submission:

Labcorp Genetics (formerly Invitae), Labcorp
Classification: Uncertain significance. Last evaluated: 2020-06-13. Review status: criteria provided, single submitter. Criteria: Invitae Variant Classification Sherloc (09022015). Collection method: clinical testing. Allele origin: germline.
Comment: In summary, the available evidence is currently insufficient to determine the role of this variant in disease. Therefore, it has been classified as a Variant of Uncertain Significance. Algorithms developed to predict the effect of missense changes on protein structure and function are either unavailable or do not agree on the potential impact of this missense change (SIFT: "Deleterious"; PolyPhen-2: "Probably Damaging"; Align-GVGD: "Class C0"). This variant has not been reported in the literature in individuals with DHX38-related conditions. This variant is not present in population databases (ExAC no frequency). This sequence change replaces glycine with serine at codon 858 of the DHX38 protein (p.Gly858Ser). The glycine residue is highly conserved and there is a small physicochemical difference between glycine and serine.

NM_014003.4(DHX38):c.2572G>A (p.Gly858Ser)

Gene: DHX38 (DEAH-box helicase 38; plus strand). Cytogenetic location: 16q22.2.
Variant type: single nucleotide variant.
Coding change: c.2572G>A on transcript NM_014003.4 (MANE Select); coding-DNA position 2572, G replaced by A.
Protein change: p.Gly858Ser; replaces glycine 858 with serine.
Molecular consequence: missense variant.
Genome position (GRCh38, 1-based): chr16:72,106,089, G>A. VCF-style: chr16-72106089-G-A. GRCh37 (hg19) VCF-style: chr16-72139988-G-A.
Other names: short protein forms G858S.
Identifiers: ClinVar variation 1025567 (VCV001025567.7), dbSNP rs1484814310, ClinGen allele CA396713126.
Genomic context (GRCh38, chr16:72,106,089, plus strand): 5'-GATGCTCTGCAGATCTATCCCATTAGCCAGGCCAATGCCAACCAGCGGTCAGGGCGAGCC[G>A]GCAGGACGGGCCCAGGTCAGTGTTTCAGGTAGGAGCCCTGTGCTAGCCTGCTTTCTGGGG-3'
Protein context (NP_054722.2, residues 848-868): ANANQRSGRA[Gly858Ser]RTGPGQCFRL